The following is an entry in ClinVar:

NM_001378778.1(MPDZ):c.814A>G (p.Ile272Val)

Gene: MPDZ (multiple PDZ domain crumbs cell polarity complex component; minus strand). Cytogenetic location: 9p23.
Variant type: single nucleotide variant.
Coding change: c.814A>G on transcript NM_001378778.1 (MANE Select); coding-DNA position 814, A replaced by G.
Protein change: p.Ile272Val; replaces isoleucine 272 with valine.
Molecular consequence: missense variant.
Genome position (GRCh38, 1-based): chr9:13,221,434, T>C on the plus strand (A>G on the coding strand, the complement: MPDZ is on the minus strand). VCF-style: chr9-13221434-T-C. GRCh37 (hg19) VCF-style: chr9-13221433-T-C.
Other names: c.814A>G, p.Ile272Val (NM_001261406.2, NM_001261407.2, NM_001330637.2 and 14 more transcripts); short protein forms I272V.
Identifiers: ClinVar variation 709818 (VCV000709818.14), dbSNP rs140109824, ClinGen allele CA4988000.

ClinVar aggregate classification (germline): Benign/Likely benign. Review status: criteria provided, multiple submitters, no conflicts (2 of 4 stars). 3 submissions from 3 submitters: Benign (1); Likely benign (1). 1 of the submissions does not count toward it. Last evaluated 2026-01-28.

Conditions:
MPDZ-related disorder. Also called: MPDZ-related condition.

Allele frequency attached by ClinVar (database versions not stated): gnomAD exomes 0.00100; ExAC 0.00135; ESP Exome Variant Server 0.00446; gnomAD 0.00486 and 0.00514; 1000 Genomes Project 0.00499; TOPMed 0.00499; 1000 Genomes Project 30x 0.00500.
gnomAD v4.1: 1,413 of 1,611,518 alleles (0.088%); highest among the groups gnomAD compares: African/African-American, 1.6%; 11 homozygotes.

Submissions (3):

Labcorp Genetics (formerly Invitae), Labcorp
Classification: Benign. Last evaluated: 2026-01-28. Review status: criteria provided, single submitter. Criteria: Invitae Variant Classification Sherloc (09022015). Collection method: clinical testing. Allele origin: germline.

Blueprint Genetics
Classification: Likely benign. Last evaluated: 2024-11-25. Review status: criteria provided, single submitter. Criteria: ACMG Guidelines, 2015. Collection method: clinical testing. Allele origin: germline.

PreventionGenetics, part of Exact Sciences
Classification: Benign for MPDZ-related condition. Last evaluated: 2019-09-06. Review status: no assertion criteria provided. Collection method: clinical testing. Allele origin: germline. Not counted in ClinVar's aggregate classification.
Comment: This variant is classified as benign based on ACMG/AMP sequence variant interpretation guidelines (Richards et al. 2015 PMID: 25741868, with internal and published modifications).